The following is an entry in ClinVar:

ClinVar aggregate classification (germline): Uncertain significance (1 of 4 stars; one submission).

gnomAD v4.1: 5 of 1,614,086 alleles (0.00031%); highest among the groups gnomAD compares: Non-Finnish European, 0.00034%; no homozygotes.

Submission:

Dasa
Classification: Uncertain significance. Last evaluated: 2024-10-01. Review status: criteria provided, single submitter. Criteria: DASA Assertion Criteria. Collection method: clinical testing. Allele origin: germline.
Comment: NM_001243133.2(NLRP3):c.1727G>A (p.Arg576His) is a missense variant that results in the substitution of arginine with histidine. This variant is rare in population databases. The currently available literature and clinical evidence are not sufficient to establish a definitive association between this variant and the reported condition. Therefore, this variant is classified as a variant of uncertain significance.

NM_001243133.2(NLRP3):c.1727G>A (p.Arg576His)

Gene: NLRP3 (NLR family pyrin domain containing 3; plus strand). Cytogenetic location: 1q44.
Variant type: single nucleotide variant.
Coding change: c.1727G>A on transcript NM_001243133.2 (MANE Select); coding-DNA position 1727, G replaced by A.
Protein change: p.Arg576His; replaces arginine 576 with histidine.
Molecular consequence: missense variant.
Genome position (GRCh38, 1-based): chr1:247,425,176, G>A. VCF-style: chr1-247425176-G-A. GRCh37 (hg19) VCF-style: chr1-247588478-G-A.
Other names: c.1727G>A, p.Arg576His (NM_001079821.3, NM_001127461.3, NM_001127462.3 and 1 more transcripts); c.1733G>A, p.Arg578His (NM_004895.5); short protein forms R576H, R578H.
Identifiers: ClinVar variation 4881620 (VCV004881620.2).
Genomic context (GRCh38, chr1:247,425,176, plus strand): 5'-TGACAGTCCTTCTGGAAAACTATGGCAAATTCGAAAAGGGGTATTTGATTTTTGTTGTAC[G>A]TTTCCTCTTTGGCCTGGTAAACCAGGAGAGGACCTCCTACTTGGAGAAGAAATTAAGTTG-3'
Protein context (NP_001230062.1, residues 566-586): FEKGYLIFVV[Arg576His]FLFGLVNQER